The following is an entry in ClinVar:

NM_002875.5(RAD51):c.330C>G (p.Asp110Glu)

Gene: RAD51 (RAD51 recombinase; plus strand). Cytogenetic location: 15q15.1.
Variant type: single nucleotide variant.
Coding change: c.330C>G on transcript NM_002875.5 (MANE Select); coding-DNA position 330, C replaced by G.
Protein change: p.Asp110Glu; replaces aspartic acid 110 with glutamic acid.
Molecular consequence: missense variant. On other transcripts: intron variant (2).
Genome position (GRCh38, 1-based): chr15:40,706,281, C>G. VCF-style: chr15-40706281-C-G. GRCh37 (hg19) VCF-style: chr15-40998479-C-G.
Other names: c.330C>G, p.Asp110Glu (NM_001164270.2); c.347-2744C>G (NM_133487.4, NM_001164269.2); short protein forms D110E.
Identifiers: ClinVar variation 2450850 (VCV002450850.2), dbSNP rs2504436979, ClinGen allele CA391749994.

ClinVar aggregate classification (germline): Uncertain significance (1 of 4 stars; one submission).

Conditions:
Inborn genetic diseases. Identifiers: MedGen C0950123, MeSH D030342.

Submission:

Ambry Genetics
Classification: Uncertain significance for Inborn genetic diseases. Last evaluated: 2022-11-15. Review status: criteria provided, single submitter. Criteria: Ambry Variant Classification Scheme 2023. Collection method: clinical testing. Allele origin: germline.
Comment: The p.D110E variant (also known as c.330C>G), located in coding exon 3 of the RAD51 gene, results from a C to G substitution at nucleotide position 330. The aspartic acid at codon 110 is replaced by glutamic acid, an amino acid with highly similar properties. This amino acid position is conserved. In addition, this alteration is predicted to be deleterious by in silico analysis. Since supporting evidence is limited at this time, the clinical significance of this alteration remains unclear.